The following is an entry in ClinVar:

ClinVar aggregate classification (germline): Uncertain significance (1 of 4 stars; one submission).

Conditions:
Inborn genetic diseases. Identifiers: MedGen C0950123, MeSH D030342.

Submission:

Ambry Genetics
Classification: Uncertain significance for Inborn genetic diseases. Last evaluated: 2021-08-27. Review status: criteria provided, single submitter. Criteria: Ambry Variant Classification Scheme 2023. Collection method: clinical testing. Allele origin: germline.
Comment: The p.A760V variant (also known as c.2279C>T), located in coding exon 16 of the MIB1 gene, results from a C to T substitution at nucleotide position 2279. The alanine at codon 760 is replaced by valine, an amino acid with similar properties. This amino acid position is conserved. In addition, this alteration is predicted to be tolerated by in silico analysis. Since supporting evidence is limited at this time, the clinical significance of this alteration remains unclear.

NM_020774.4(MIB1):c.2279C>T (p.Ala760Val)

Gene: MIB1 (MIB E3 ubiquitin protein ligase 1; plus strand). Cytogenetic location: 18q11.2.
Variant type: single nucleotide variant.
Coding change: c.2279C>T on transcript NM_020774.4 (MANE Select); coding-DNA position 2279, C replaced by T.
Protein change: p.Ala760Val; replaces alanine 760 with valine.
Molecular consequence: missense variant.
Genome position (GRCh38, 1-based): chr18:21,847,011, C>T. VCF-style: chr18-21847011-C-T. GRCh37 (hg19) VCF-style: chr18-19426972-C-T.
Other names: short protein forms A760V.
Identifiers: ClinVar variation 1788894 (VCV001788894.2), dbSNP rs2510764257, ClinGen allele CA401795536.